The following is an entry in ClinVar:

NM_019109.5(ALG1):c.841G>T (p.Val281Phe)

Gene: ALG1 (ALG1 chitobiosyldiphosphodolichol beta-mannosyltransferase; plus strand). Cytogenetic location: 16p13.3.
Variant type: single nucleotide variant.
Coding change: c.841G>T on transcript NM_019109.5 (MANE Select); coding-DNA position 841, G replaced by T.
Protein change: p.Val281Phe; replaces valine 281 with phenylalanine.
Molecular consequence: missense variant.
Genome position (GRCh38, 1-based): chr16:5,078,857, G>T. VCF-style: chr16-5078857-G-T. GRCh37 (hg19) VCF-style: chr16-5128858-G-T.
Other names: c.508G>T, p.Val170Phe (NM_001330504.2); short protein forms V170F, V281F.
Identifiers: ClinVar variation 690317 (VCV000690317.10), dbSNP rs553396382, ClinGen allele CA394681849.

ClinVar aggregate classification (germline): Pathogenic/Likely pathogenic. Review status: criteria provided, multiple submitters, no conflicts (2 of 4 stars). 5 submissions from 5 submitters: Pathogenic (1); Likely pathogenic (3). 1 of the submissions does not count toward it. Last evaluated 2026-01-17.

Conditions:
Congenital disorder of glycosylation (CDG). Also called: Congenital disorders of glycosylation; Carbohydrate-deficient glycoprotein syndrome. Identifiers: Orphanet 137, MedGen C0282577, MONDO:0015286.
ALG1-congenital disorder of glycosylation. Also called: ALG1-CDG; CONGENITAL DISORDER OF GLYCOSYLATION, TYPE Ik; CDG Ik. Identifiers: Orphanet 79327, MedGen C2931005, MONDO:0012052, OMIM 608540.

Allele frequency attached by ClinVar (database versions not stated): TOPMed 0.00002; gnomAD exomes 0.00002.
gnomAD v4.1: 6 of 1,611,626 alleles (0.00037%); highest among the groups gnomAD compares: Admixed American, 0.01%; no homozygotes.

Submissions (5):

GeneDx
Classification: Likely pathogenic. Last evaluated: 2026-01-17. Review status: criteria provided, single submitter. Criteria: GeneDx Variant Classification Process June 2021. Collection method: clinical testing. Allele origin: germline.
Comment: Published functional studies demonstrate a damaging effect of abnormal underglycosylation of ALG1 compared to wildtype (PMID: 26931382); Identified with a second variant in patients with clinical features consistent with an ALG1-related disorder in published literature (PMID: 26931382, 30653653); Not observed at significant frequency in large population cohorts (gnomAD); In silico analysis supports that this missense variant has a deleterious effect on protein structure/function; This variant is associated with the following publications: (PMID: 26931382, 30653653, 36719165, 37204045, 26430078, 35221878)

Labcorp Genetics (formerly Invitae), Labcorp
Classification: Pathogenic for ALG1-congenital disorder of glycosylation. Last evaluated: 2026-01-08. Review status: criteria provided, single submitter. Criteria: Invitae Variant Classification Sherloc (09022015). Collection method: clinical testing. Allele origin: germline.
Comment: This sequence change replaces valine, which is neutral and non-polar, with phenylalanine, which is neutral and non-polar, at codon 281 of the ALG1 protein (p.Val281Phe). This variant is present in population databases (no rsID available, gnomAD 0.01%). This missense change has been observed in individual(s) with clinical features of ALG1-congenital disorder of glycosylation (PMID: 26931382, 30653653). In at least one individual the data is consistent with being in trans (on the opposite chromosome) from a pathogenic variant. ClinVar contains an entry for this variant (Variation ID: 690317). Invitae Evidence Modeling of protein sequence and biophysical properties (such as structural, functional, and spatial information, amino acid conservation, physicochemical variation, residue mobility, and thermodynamic stability) indicates that this missense variant is not expected to disrupt ALG1 protein function with a negative predictive value of 80%. Experimental studies have shown that this missense change affects ALG1 function (PMID: 26931382). For these reasons, this variant has been classified as Pathogenic.

3billion
Classification: Likely pathogenic for ALG1-congenital disorder of glycosylation. Last evaluated: 2025-05-28. Review status: criteria provided, single submitter. Criteria: ACMG Guidelines, 2015. Collection method: clinical testing. Allele origin: germline. Affected: yes.
Comment: The variant is observed at an extremely low frequency in the gnomAD v4.1.0 dataset (total allele frequency: <0.001%). Predicted Consequence/Location: Missense variant Functional studies provide moderate evidence of the variant having a damaging effect on the gene or gene product (PMID: 26931382). In silico tool predictions suggest damaging effect of the variant on gene or gene product [REVEL: 0.70 (>=0.6, sensitivity 0.68 and specificity 0.92); 3Cnet: 0.98 (> 0.75, sensitivity 0.96 and precision 0.92)]. The same nucleotide change resulting in the same amino acid change has been previously reported as pathogenic/likely pathogenic with strong evidence (ClinVar ID: VCV000690317 /PMID: 26931382 /3billion dataset). Therefore, this variant is classified as Likely pathogenic according to the recommendation of ACMG/AMP guideline.

Fulgent Genetics
Classification: Likely pathogenic for ALG1-congenital disorder of glycosylation. Last evaluated: 2024-02-05. Review status: criteria provided, single submitter. Criteria: ACMG Guidelines, 2015. Collection method: clinical testing. Allele origin: germline.

University of Washington Center for Mendelian Genomics, University of Washington
Classification: Likely pathogenic for Congenital disorder of glycosylation. Last evaluated: 2017-05-25. Review status: no assertion criteria provided. Collection method: research. Allele origin: unknown. Affected: yes. Not counted in ClinVar's aggregate classification.

Literature cited by the submitters: PubMed 26931382 (cited by 3 submitters); PubMed 30653653 (cited by Labcorp Genetics (formerly Invitae), Labcorp).